The following is an entry in ClinVar:

NM_001128.6(AP1G1):c.2305A>G (p.Ile769Val)

Gene: AP1G1 (adaptor related protein complex 1 subunit gamma 1; minus strand). Cytogenetic location: 16q22.2.
Variant type: single nucleotide variant.
Coding change: c.2305A>G on transcript NM_001128.6 (MANE Select); coding-DNA position 2305, A replaced by G.
Protein change: p.Ile769Val; replaces isoleucine 769 with valine.
Molecular consequence: missense variant.
Genome position (GRCh38, 1-based): chr16:71,734,671, T>C on the plus strand (A>G on the coding strand, the complement: AP1G1 is on the minus strand). VCF-style: chr16-71734671-T-C. GRCh37 (hg19) VCF-style: chr16-71768574-T-C.
Other names: c.2314A>G, p.Ile772Val (NM_001030007.2); short protein forms I769V, I772V.
Identifiers: ClinVar variation 3403224 (VCV003403224.3).

ClinVar aggregate classification (germline): Uncertain significance. Review status: criteria provided, multiple submitters, no conflicts (2 of 4 stars). 2 submissions from 2 submitters: Uncertain significance (2). Last evaluated 2024-09-27.

Conditions:
Inborn genetic diseases. Identifiers: MedGen C0950123, MeSH D030342.

Submissions (2):

Ambry Genetics
Classification: Uncertain significance for Inborn genetic diseases. Last evaluated: 2024-09-27. Review status: criteria provided, single submitter. Criteria: Ambry Variant Classification Scheme 2023. Collection method: clinical testing. Allele origin: germline.

Dasa
Classification: Uncertain significance. Last evaluated: 2024-07-30. Review status: criteria provided, single submitter. Criteria: DASA Assertion Criteria. Collection method: clinical testing. Allele origin: germline.
Comment: NM_001128.6(AP1G1):c.2305A>G (p.Ile769Val) is a missense variant that results in the substitution of isoleucine with valine. This variant is absent from population databases. Computational prediction algorithms are consistent with a benign effect. The currently available literature and clinical evidence are not sufficient to establish a definitive association between this variant and the reported condition. Therefore, this variant is classified as a variant of uncertain significance.